The following is an entry in ClinVar:

ClinVar aggregate classification (germline): Uncertain significance. Review status: criteria provided, multiple submitters, no conflicts (2 of 4 stars). 3 submissions from 3 submitters: Uncertain significance (3). Last evaluated 2022-10-03.

Conditions:
Cardiovascular phenotype. Identifiers: MedGen CN230736.
Alstrom syndrome (ALMS). Identifiers: Orphanet 64, MedGen C0268425, MONDO:0008763, OMIM 203800.

Allele frequency attached by ClinVar (database versions not stated): TOPMed below 0.00001.

Submissions (3):

Ambry Genetics
Classification: Uncertain significance for Cardiovascular phenotype. Last evaluated: 2022-10-03. Review status: criteria provided, single submitter. Criteria: Ambry Variant Classification Scheme 2023. Collection method: clinical testing. Allele origin: germline.
Comment: The p.H3652R variant (also known as c.10955A>G), located in coding exon 16 of the ALMS1 gene, results from an A to G substitution at nucleotide position 10955. The histidine at codon 3652 is replaced by arginine, an amino acid with highly similar properties. This amino acid position is poorly conserved in available vertebrate species. In addition, this alteration is predicted to be tolerated by in silico analysis. Since supporting evidence is limited at this time, the clinical significance of this alteration remains unclear.

Fulgent Genetics
Classification: Uncertain significance for Alstrom syndrome. Last evaluated: 2022-05-03. Review status: criteria provided, single submitter. Criteria: ACMG Guidelines, 2015. Collection method: clinical testing. Allele origin: unknown.

Labcorp Genetics (formerly Invitae), Labcorp
Classification: Uncertain significance for Alstrom syndrome. Last evaluated: 2021-02-23. Review status: criteria provided, single submitter. Criteria: Invitae Variant Classification Sherloc (09022015). Collection method: clinical testing. Allele origin: germline.
Comment: This sequence change replaces histidine with arginine at codon 3652 of the ALMS1 protein (p.His3652Arg). The histidine residue is weakly conserved and there is a small physicochemical difference between histidine and arginine. This variant is not present in population databases (ExAC no frequency). This variant has not been reported in the literature in individuals with ALMS1-related conditions. Experimental studies and prediction algorithms are not available or were not evaluated, and the functional significance of this variant is currently unknown. In summary, the available evidence is currently insufficient to determine the role of this variant in disease. Therefore, it has been classified as a Variant of Uncertain Significance.

NM_001378454.1(ALMS1):c.10952A>G (p.His3651Arg)

Gene: ALMS1 (ALMS1 centrosome and basal body associated protein; plus strand). Cytogenetic location: 2p13.1.
Variant type: single nucleotide variant.
Coding change: c.10952A>G on transcript NM_001378454.1 (MANE Select); coding-DNA position 10952, A replaced by G.
Protein change: p.His3651Arg; replaces histidine 3651 with arginine.
Molecular consequence: missense variant.
Genome position (GRCh38, 1-based): chr2:73,572,829, A>G. VCF-style: chr2-73572829-A-G. GRCh37 (hg19) VCF-style: chr2-73799956-A-G.
Other names: c.10955A>G, p.His3652Arg (NM_015120.4); short protein forms H3651R, H3652R.
Identifiers: ClinVar variation 1523771 (VCV001523771.6), dbSNP rs1294645835, ClinGen allele CA347286412.